The following is an entry in ClinVar:

ClinVar aggregate classification (germline): Uncertain significance (1 of 4 stars; one submission).

Submission:

Labcorp Genetics (formerly Invitae), Labcorp
Classification: Uncertain significance. Last evaluated: 2023-08-08. Review status: criteria provided, single submitter. Criteria: Invitae Variant Classification Sherloc (09022015). Collection method: clinical testing. Allele origin: unknown.
Comment: A gross deletion of the genomic region encompassing the full coding sequence of the SLC44A4 gene has been identified. The current clinical and genetic evidence is not sufficient to establish whether loss-of-function variants in SLC44A4 cause disease. The boundaries of this event are unknown as they extend beyond the assayed region for this gene and therefore may encompass additional genes. This variant has not been reported in the literature in individuals affected with SLC44A4-related conditions. In summary, the available evidence is currently insufficient to determine the role of this variant in disease. Therefore, it has been classified as a Variant of Uncertain Significance.

NC_000006.11:g.(?_31620520)_(31937492_?)del

Genes: ZBTB12 (zinc finger and BTB domain containing 12; minus strand), ABHD16A (abhydrolase domain containing 16A, phospholipase; minus strand), APOM (apolipoprotein M; plus strand), C2 (complement C2; plus strand), C6orf47 (chromosome 6 open reading frame 47; minus strand) and 25 more. Cytogenetic location: 6p21.33.
Variant type: Deletion.
Identifiers: ClinVar variation 3246239 (VCV003246239.1).